The following is an entry in ClinVar:

NM_001035.3(RYR2):c.12002A>G (p.Asp4001Gly)

Gene: RYR2 (ryanodine receptor 2; plus strand). Cytogenetic location: 1q43.
Variant type: single nucleotide variant.
Coding change: c.12002A>G on transcript NM_001035.3 (MANE Select); coding-DNA position 12002, A replaced by G.
Protein change: p.Asp4001Gly; replaces aspartic acid 4001 with glycine.
Molecular consequence: missense variant.
Genome position (GRCh38, 1-based): chr1:237,783,714, A>G. VCF-style: chr1-237783714-A-G. GRCh37 (hg19) VCF-style: chr1-237947014-A-G.
Other names: c.12002A>G, p.Asp4001Gly (LRG_402t1); short protein forms D4001G.
Identifiers: ClinVar variation 418465 (VCV000418465.2), dbSNP rs1064793256, ClinGen allele CA16617109.
Genomic context (GRCh38, chr1:237,783,714, plus strand): 5'-ATGCAACTGCTTTACCACCAGGTAATGTTGTTAATGGAACGATTGGCAAACAGATGGTGG[A>G]TATGCTTGTGGAATCTTCCAACAACGTGGAGATGATTCTCAAATTTTTTGACATGTTCTT-3'
Protein context (NP_001026.2, residues 3991-4011): VNGTIGKQMV[Asp4001Gly]MLVESSNNVE

ClinVar aggregate classification (germline): Likely pathogenic (1 of 4 stars; one submission).

Submission:

GeneDx
Classification: Likely pathogenic. Last evaluated: 2014-12-17. Review status: criteria provided, single submitter. Criteria: GeneDx Variant Classification (06012015). Collection method: clinical testing. Allele origin: germline. Affected: yes.
Comment: A novel D4001G variant that is likely pathogenic was identified in the RYR2 gene. It has not been published as a pathogenic variant, nor has it been reported as a benign polymorphism to our knowledge. The D4001G variant was not observed in approximately 6,000 individuals of European and African American ancestry in an external variant database, indicating it is not a common benign variant in these populations. The D4001G variant is a non-conservative amino acid substitution, which is likely to impact secondary protein structure as these residues differ in polarity, charge, size and/or other properties. Additionally, this substitution occurs at a position that is conserved across species and in silico analysis predicts this variant is probably damaging to the protein structure/function. Furthermore, missense variantas in nearby residues (K3997E, M4002I) have been reported in the Human Gene Mutation Database (Stenson P. et al., 2014) and D4001G is located in a mutation hot spot" in the RYR2 gene (Medeiros-Domingo A et al., 2009). Therefore, this is a strong candidate for a pathogenic variant, however the possibility that it is a benign variant cannot be excluded."